The following is an entry in ClinVar:

NM_000642.3(AGL):c.1639C>T (p.Gln547Ter)

Gene: AGL (amylo-alpha-1,6-glucosidase and 4-alpha-glucanotransferase; plus strand). Cytogenetic location: 1p21.2.
Variant type: single nucleotide variant.
Coding change: c.1639C>T on transcript NM_000642.3 (MANE Select); coding-DNA position 1639, C replaced by T.
Protein change: p.Gln547Ter; replaces glutamine 547 with a stop codon.
Molecular consequence: nonsense.
Genome position (GRCh38, 1-based): chr1:99,879,950, C>T. VCF-style: chr1-99879950-C-T. GRCh37 (hg19) VCF-style: chr1-100345506-C-T.
Other names: c.1639C>T, p.Gln547Ter (NM_000028.3, NM_000643.3, NM_000644.3 and 2 more transcripts); c.1591C>T, p.Gln531Ter (NM_000646.3); c.1438C>T, p.Gln480Ter (NM_001425327.1); c.1435C>T, p.Gln479Ter (NM_001425328.1, NM_001425329.1); c.1261C>T, p.Gln421Ter (NM_001425332.1); short protein forms Q531*, Q547*, Q421*, Q479*, Q480*.
Identifiers: ClinVar variation 1071635 (VCV001071635.7), dbSNP rs2101145154, ClinGen allele CA341315476.
Genomic context (GRCh38, chr1:99,879,950, plus strand): 5'-TATTTGTTACATTTGTCACTGTGCTTTTTACAGTACATGTTGGATGCTGCTAGGAATTTG[C>T]AACCCAATTTATATGTAGTAGCTGAACTGTTCACAGGAAGTGAAGATCTGGACAATGTCT-3'

ClinVar aggregate classification (germline): Pathogenic (1 of 4 stars; one submission).

Conditions:
Glycogen storage disease type III (GSD3). Also called: Cori disease; FORBES DISEASE. Identifiers: Orphanet 366, MedGen C0017922, MONDO:0009291, OMIM 232400.

Submission:

Labcorp Genetics (formerly Invitae), Labcorp
Classification: Pathogenic for Glycogen storage disease type III. Last evaluated: 2025-02-15. Review status: criteria provided, single submitter. Criteria: Invitae Variant Classification Sherloc (09022015). Collection method: clinical testing. Allele origin: germline.
Comment: This sequence change creates a premature translational stop signal (p.Gln547*) in the AGL gene. It is expected to result in an absent or disrupted protein product. Loss-of-function variants in AGL are known to be pathogenic (PMID: 19299494). This variant is not present in population databases (gnomAD no frequency). This variant has not been reported in the literature in individuals affected with AGL-related conditions. ClinVar contains an entry for this variant (Variation ID: 1071635). Algorithms developed to predict the effect of sequence changes on RNA splicing suggest that this variant may disrupt the consensus splice site. For these reasons, this variant has been classified as Pathogenic.

Literature cited by the submitters: PubMed 19299494.